The following is an entry in ClinVar:

ClinVar aggregate classification (germline): Likely benign. Review status: criteria provided, multiple submitters, no conflicts (2 of 4 stars). 4 submissions from 4 submitters: Likely benign (2). 2 of the submissions do not count toward it. Last evaluated 2025-10-11.

Conditions:
Dilated cardiomyopathy 1G (CMD1G). Identifiers: Orphanet 154, MedGen C1858763, MONDO:0011400, OMIM 604145.
Autosomal recessive limb-girdle muscular dystrophy type 2J (LGMDR10). Also called: MUSCULAR DYSTROPHY, LIMB-GIRDLE, AUTOSOMAL RECESSIVE 10; Limb-girdle muscular dystrophy, type 2J. Identifiers: Orphanet 140922, MedGen C1837342, MONDO:0012127, OMIM 608807.

Submissions (4):

Labcorp Genetics (formerly Invitae), Labcorp
Classification: Likely benign for Dilated cardiomyopathy 1G; Autosomal recessive limb-girdle muscular dystrophy type 2J. Last evaluated: 2025-10-11. Review status: criteria provided, single submitter. Criteria: Invitae Variant Classification Sherloc (09022015). Collection method: clinical testing. Allele origin: germline.

GeneDx
Classification: Likely benign. Last evaluated: 2018-06-04. Review status: criteria provided, single submitter. Criteria: GeneDx Variant Classification (06012015). Collection method: clinical testing. Allele origin: germline. Affected: yes.
Comment: This variant is considered likely benign or benign based on one or more of the following criteria: it is a conservative change, it occurs at a poorly conserved position in the protein, it is predicted to be benign by multiple in silico algorithms, and/or has population frequency not consistent with disease.

Clinical Genetics DNA and cytogenetics Diagnostics Lab, Erasmus MC, Erasmus Medical Center
Classification: Likely benign. Review status: no assertion criteria provided. Collection method: clinical testing. Allele origin: germline. Affected: yes. Study: VKGL Data-share Consensus. Not counted in ClinVar's aggregate classification.

Clinical Genetics, Academic Medical Center
Classification: Benign. Review status: no assertion criteria provided. Collection method: clinical testing. Allele origin: germline. Affected: yes. Study: VKGL Data-share Consensus. Not counted in ClinVar's aggregate classification.

NM_001267550.2(TTN):c.31763-6dup

Gene: TTN (titin; minus strand). Cytogenetic location: 2q31.2.
Variant type: Duplication.
Coding change: c.31763-6dup on transcript NM_001267550.2 (MANE Select); 6 bases into the intron before coding-DNA position 31763, one base duplicated (T; older notation c.31763-6dupT).
Molecular consequence: intron variant.
Genome position (GRCh38, 1-based): chr2:178,689,900, A duplicated on the plus strand (T on the coding strand, the reverse complement: TTN is on the minus strand); the first of 3 consecutive A bases (chr2:178,689,900-178,689,902); duplicating any one gives the same sequence. VCF-style (leftmost placement, unchanged base first): chr2-178689899-T-TA. GRCh37 (hg19) VCF-style: chr2-179554626-T-TA.
Other names: c.30812-4dupT (NM_001256850.1); c.13283-47585dup (NM_003319.4); c.13859-47585dup (NM_133437.4); c.13658-47585dup (NM_133432.3); c.28031-6dup (NM_133378.4); c.30812-6dup (NM_001256850.1).
Identifiers: ClinVar variation 668694 (VCV000668694.16), dbSNP rs1192352676, ClinGen allele CA538437249.
Genomic context (GRCh38, chr2:178,689,899, plus strand): 5'-TTTGCAACAGGAACGGGAATCTTTTCTTCAGGGACAGGTTTCTTTGGCACCTCTGGGACT[T>TA]AAAGTTTTTGAAACACAATGTTAGTTCAGACATATATCACTTTTATGAAAGAACATAGGC-3'